The following is an entry in ClinVar:

NM_000543.5(SMPD1):c.1263+1G>A

Gene: SMPD1 (sphingomyelin phosphodiesterase 1; plus strand). Cytogenetic location: 11p15.4.
Variant type: single nucleotide variant.
Coding change: c.1263+1G>A on transcript NM_000543.5 (MANE Select); the canonical splice donor site of the intron after coding-DNA position 1263, G replaced by A.
Molecular consequence: splice donor variant. On other transcripts: intron variant (1).
Genome position (GRCh38, 1-based): chr11:6,393,388, G>A. VCF-style: chr11-6393388-G-A. GRCh37 (hg19) VCF-style: chr11-6414618-G-A.
Other names: c.342+1G>A (NM_001318088.2); c.1132-229G>A (NM_001365135.2); c.1263+1G>A (NM_001318087.2); c.1260+1G>A (NM_001007593.3).
Identifiers: ClinVar variation 1484329 (VCV001484329.10), dbSNP rs2134018090, ClinGen allele CA379374073.
Genomic context (GRCh38, chr11:6,393,388, plus strand): 5'-GCAGGACAGCTCCAGTGGCTGGTGGGGGAGCTTCAGGCTGCTGAGGATCGAGGAGACAAA[G>A]TGAGGGCCAGTAGTGGGAACACGGTGGTGCTGGGGGACAAGCAGGCTCCTGTTGAGCTGG-3'

ClinVar aggregate classification (germline): Likely pathogenic. Review status: criteria provided, multiple submitters, no conflicts (2 of 4 stars). 2 submissions from 2 submitters: Likely pathogenic (2). Last evaluated 2024-01-24.

Conditions:
Niemann-Pick disease, type A. Also called: SPHINGOMYELIN LIPIDOSIS; SPHINGOMYELINASE DEFICIENCY; Infantile Neurovisceral ASMD (Niemann-Pick Disease Type A; NPD-A). Identifiers: Orphanet 77292, MedGen C0268242, MONDO:0009756, OMIM 257200. Disease mechanism: loss of function.
Niemann-Pick disease, type B. Also called: Chronic Visceral ASMD (Niemann-Pick Disease Type B; NPD-B). Identifiers: Orphanet 77293, MedGen C0268243, MONDO:0011871, OMIM 607616. Disease mechanism: loss of function.

Submissions (2):

Baylor Genetics
Classification: Likely pathogenic for Niemann-Pick disease, type A. Last evaluated: 2024-01-24. Review status: criteria provided, single submitter. Criteria: ACMG Guidelines, 2015. Collection method: clinical testing. Allele origin: unknown.

Labcorp Genetics (formerly Invitae), Labcorp
Classification: Likely pathogenic for Niemann-Pick disease, type B; Niemann-Pick disease, type A. Last evaluated: 2021-06-05. Review status: criteria provided, single submitter. Criteria: Invitae Variant Classification Sherloc (09022015). Collection method: clinical testing. Allele origin: germline.
Comment: This sequence change affects a donor splice site in intron 3 of the SMPD1 gene. It is expected to disrupt RNA splicing. Variants that disrupt the donor or acceptor splice site typically lead to a loss of protein function (PMID: 16199547), and loss-of-function variants in SMPD1 are known to be pathogenic (PMID: 12369017, 15221801). This variant is not present in population databases (ExAC no frequency). This variant has not been reported in the literature in individuals with SMPD1-related conditions. Algorithms developed to predict the effect of sequence changes on RNA splicing suggest that this variant may disrupt the consensus splice site, but this prediction has not been confirmed by published transcriptional studies. In summary, the currently available evidence indicates that the variant is pathogenic, but additional data are needed to prove that conclusively. Therefore, this variant has been classified as Likely Pathogenic.

Literature cited by the submitters: PubMed 16199547 (cited by Labcorp Genetics (formerly Invitae), Labcorp); PubMed 12369017 (cited by Labcorp Genetics (formerly Invitae), Labcorp); PubMed 15221801 (cited by Labcorp Genetics (formerly Invitae), Labcorp).